The following is an entry in ClinVar:

NC_000015.9:g.(?_48577283)_(48577466_?)del

Gene: SLC12A1 (solute carrier family 12 member 1; plus strand). Cytogenetic location: 15q21.1.
Variant type: Deletion.
Identifiers: ClinVar variation 2422922 (VCV002422922.3).

ClinVar aggregate classification (germline): Uncertain significance (1 of 4 stars; one submission).

Submission:

Labcorp Genetics (formerly Invitae), Labcorp
Classification: Uncertain significance. Last evaluated: 2022-07-14. Review status: criteria provided, single submitter. Criteria: Invitae Variant Classification Sherloc (09022015). Collection method: clinical testing. Allele origin: germline.
Comment: This variant is a gross deletion of the genomic region encompassing exon(s) 21 of the SLC12A1 gene. This variant would be expected to be in-frame, preserving the integrity of the reading frame. This variant has not been reported in the literature in individuals affected with SLC12A1-related conditions. Experimental studies and prediction algorithms are not available or were not evaluated, and the functional significance of this variant is currently unknown. This variant disrupts a region of the SLC12A1 protein in which other variant(s) (p.Glu832Ala) have been observed in individuals with SLC12A1-related conditions (PMID: 18391953). This suggests that this is a clinically significant region of the protein, and that variants that disrupt it are likely to be disease-causing. In summary, the available evidence is currently insufficient to determine the role of this variant in disease. Therefore, it has been classified as a Variant of Uncertain Significance.

Literature cited by the submitters: PubMed 18391953.